The following is an entry in ClinVar:

ClinVar aggregate classification (germline): Likely benign. Review status: criteria provided, multiple submitters, no conflicts (2 of 4 stars). 4 submissions from 4 submitters: Likely benign (4). Last evaluated 2025-09-29.

Conditions:
Long QT syndrome (LQTS). Identifiers: MedGen C0023976, MeSH D008133, MONDO:0002442. Disease mechanism: loss of function. Inheritance: Various modes of inheritance.
Cardiovascular phenotype. Identifiers: MedGen CN230736.
Cardiac arrhythmia. Also called: Cardiac rhythm disease; Arrhythmia. Identifiers: MedGen C0003811, MONDO:0007263, HP:0011675.

Allele frequency attached by ClinVar (database versions not stated): TOPMed 0.00001.
gnomAD v4.1: 14 of 1,577,134 alleles (0.00089%); highest among the groups gnomAD compares: Non-Finnish European, 0.0012%; no homozygotes.

Submissions (4):

Labcorp Genetics (formerly Invitae), Labcorp
Classification: Likely benign for Long QT syndrome. Last evaluated: 2025-09-29. Review status: criteria provided, single submitter. Criteria: Invitae Variant Classification Sherloc (09022015). Collection method: clinical testing. Allele origin: germline.

All of Us Research Program, National Institutes of Health
Classification: Likely benign for Long QT syndrome. Last evaluated: 2024-01-03. Review status: criteria provided, single submitter. Criteria: ACMG Guidelines, 2015. Collection method: clinical testing. Allele origin: germline. Inheritance: Autosomal dominant inheritance. Observed: 4 variant alleles, 4 heterozygotes.
Comment: This study involves interpretation of variants in research participants for the purpose of population health screening. Participant phenotype was not available at the time of variant classification. Additional details can be found in publication PMID: 35346344, PMCID: PMC8962531

Color Diagnostics, LLC DBA Color Health
Classification: Likely benign for Cardiac arrhythmia. Last evaluated: 2022-11-06. Review status: criteria provided, single submitter. Criteria: ACMG Guidelines, 2015. Collection method: clinical testing. Allele origin: germline.

Ambry Genetics
Classification: Likely benign for Cardiovascular phenotype. Last evaluated: 2021-12-30. Review status: criteria provided, single submitter. Criteria: Ambry Variant Classification Scheme 2023. Collection method: clinical testing. Allele origin: germline.

NM_000218.3(KCNQ1):c.1938C>A (p.Gly646=)

Genes: KCNQ1 (potassium voltage-gated channel subfamily Q member 1; plus strand), KCNQ1-AS1 (KCNQ1 antisense RNA 1; minus strand). Cytogenetic location: 11p15.4.
Variant type: single nucleotide variant.
Coding change: c.1938C>A on transcript NM_000218.3 (MANE Select); coding-DNA position 1938, C replaced by A.
Protein change: p.Gly646=; no amino-acid change (glycine 646 retained).
Molecular consequence: synonymous variant.
Genome position (GRCh38, 1-based): chr11:2,847,910, C>A. VCF-style: chr11-2847910-C-A. GRCh37 (hg19) VCF-style: chr11-2869140-C-A.
Other names: c.1842C>A, p.Gly614= (NM_001406836.1); c.1668C>A, p.Gly556= (NM_001406837.1); c.1398C>A, p.Gly466= (NM_001406838.1); c.450C>A, p.Gly150= (NM_001406839.1); c.1557C>A, p.Gly519= (NM_181798.2).
Identifiers: ClinVar variation 746861 (VCV000746861.15), dbSNP rs184844767, ClinGen allele CA216345321.